The following is an entry in ClinVar:

ClinVar aggregate classification (germline): Conflicting classifications of pathogenicity. Review status: criteria provided, conflicting classifications (1 of 4 stars). 5 submissions from 5 submitters: Uncertain significance (4); Likely benign (1). Last evaluated 2025-12-10.

Conditions:
Wolfram syndrome 1 (WFS1). Identifiers: Orphanet 3463, MedGen C4551693, MONDO:0009101, OMIM 222300.
Autosomal dominant nonsyndromic hearing loss 6 (LFSNHL). Also called: Autosomal dominant nonsyndromic deafness 6; DEAFNESS, AUTOSOMAL DOMINANT 6; DEAFNESS, AUTOSOMAL DOMINANT 14; DEAFNESS, AUTOSOMAL DOMINANT 38. Identifiers: Orphanet 90635, MedGen C1833021, MONDO:0010963, OMIM 600965.
Type 2 diabetes mellitus. Also called: Type II diabetes mellitus. Identifiers: MedGen C0011860, MeSH D003924, MONDO:0005148, OMIM 125853, HP:0005978.
Cataract 41 (CTRCT41). Also called: CATARACT 41, CONGENITAL NUCLEAR TYPE. Identifiers: Orphanet 91492, Orphanet 98991, Orphanet 98992, Orphanet 98995, MedGen C3805412, MONDO:0007287, OMIM 116400.
Wolfram-like syndrome. Also called: HEARING LOSS, PROGRESSIVE, WITH OPTIC ATROPHY AND/OR IMPAIRED GLUCOSE REGULATION. Identifiers: Orphanet 411590, MedGen C3280358, MONDO:0013673, OMIM 614296.

Allele frequency attached by ClinVar (database versions not stated): gnomAD 0.00004; TOPMed 0.00007; ESP Exome Variant Server 0.00015; 1000 Genomes Project 30x 0.00016.

Submissions (5):

Labcorp Genetics (formerly Invitae), Labcorp
Classification: Uncertain significance. Last evaluated: 2025-12-10. Review status: criteria provided, single submitter. Criteria: Invitae Variant Classification Sherloc (09022015). Collection method: clinical testing. Allele origin: germline.
Comment: This sequence change replaces histidine, which is basic and polar, with tyrosine, which is neutral and polar, at codon 407 of the WFS1 protein (p.His407Tyr). This variant is present in population databases (rs151244358, gnomAD 0.02%). This missense change has been observed in individual(s) with early-onset diabetes (PMID: 37277527). ClinVar contains an entry for this variant (Variation ID: 166583). Invitae Evidence Modeling of protein sequence and biophysical properties (such as structural, functional, and spatial information, amino acid conservation, physicochemical variation, residue mobility, and thermodynamic stability) indicates that this missense variant is not expected to disrupt WFS1 protein function with a negative predictive value of 95%. In summary, the available evidence is currently insufficient to determine the role of this variant in disease. Therefore, it has been classified as a Variant of Uncertain Significance.

GeneDx
Classification: Uncertain significance. Last evaluated: 2024-09-09. Review status: criteria provided, single submitter. Criteria: GeneDx Variant Classification Process June 2021. Collection method: clinical testing. Allele origin: germline. Affected: yes.
Comment: Reported in a patient with type 2 diabetes in published literature (PMID: 37277527); In silico analysis indicates that this missense variant does not alter protein structure/function; This variant is associated with the following publications: (PMID: 37277527)

Fulgent Genetics
Classification: Uncertain significance for Cataract 41; Type 2 diabetes mellitus; Wolfram syndrome 1; Autosomal dominant nonsyndromic hearing loss 6; Wolfram-like syndrome. Last evaluated: 2024-05-08. Review status: criteria provided, single submitter. Criteria: ACMG Guidelines, 2015. Collection method: clinical testing. Allele origin: germline.

Laboratory for Molecular Medicine, Mass General Brigham Personalized Medicine
Classification: Uncertain significance. Last evaluated: 2013-10-11. Review status: criteria provided, single submitter. Criteria: LMM Criteria. Collection method: clinical testing. Allele origin: germline. Observed: 1 variant allele.
Comment: Variant classified as Uncertain Significance - Favor Benign. The His407Tyr varia nt in WFS1 has not been reported in individuals with hearing loss, but has been identified in 0.04% (2/4406) of African American chromosomes by the NHLBI Exome Sequencing Project (dbSNP rs151244358). Compu tational analyses (biochemical amino acid properties, conservation, AlignGVGD, P olyPhen2, and SIFT) suggest that the His407Tyr variant may not impact the protei n, though this information is not predictive enough to rule out pathogenicity. I n summary, the clinical significance of this variant cannot be determined with c ertainty; however based upon the computational data, we would lean towards a mor e likely benign role.

Clinical Genomics, Uppaluri K&H Personalized Medicine Clinic
Classification: Likely benign for Wolfram syndrome 1. Review status: criteria provided, single submitter. Criteria: K & H Uppaluri Personalized Medicine Clinic Variant Classification & Assertion Criteria_Updated V.1. Collection method: research. Allele origin: unknown. Inheritance: Autosomal recessive inheritance.
Comment: Potent mutations in WFS1 gene are associated with Wolfram's syndrome, an autosomal recessive condition, which cause diabetes mellitus, diabetes insipidus, deafness and optic atrophy.However no sufficient evidence is found to ascertain the role of this particular variant rs151244358 in Wolfram's syndrome yet.

Literature cited by the submitters: PubMed 37277527 (cited by Labcorp Genetics (formerly Invitae), Labcorp); PubMed 20738327 (cited by Clinical Genomics, Uppaluri K&H Personalized Medicine Clinic); PubMed 33879153 (cited by Clinical Genomics, Uppaluri K&H Personalized Medicine Clinic); PubMed 12955714 (cited by Clinical Genomics, Uppaluri K&H Personalized Medicine Clinic); PubMed 18060660 (cited by Clinical Genomics, Uppaluri K&H Personalized Medicine Clinic); PubMed 20301750 (cited by Clinical Genomics, Uppaluri K&H Personalized Medicine Clinic); PubMed 17603484 (cited by Clinical Genomics, Uppaluri K&H Personalized Medicine Clinic).

NM_006005.3(WFS1):c.1219C>T (p.His407Tyr)

Gene: WFS1 (wolframin ER transmembrane glycoprotein; plus strand). Cytogenetic location: 4p16.1.
Variant type: single nucleotide variant.
Coding change: c.1219C>T on transcript NM_006005.3 (MANE Select); coding-DNA position 1219, C replaced by T.
Protein change: p.His407Tyr; replaces histidine 407 with tyrosine.
Molecular consequence: missense variant.
Genome position (GRCh38, 1-based): chr4:6,301,014, C>T. VCF-style: chr4-6301014-C-T. GRCh37 (hg19) VCF-style: chr4-6302741-C-T.
Other names: c.1219C>T, p.His407Tyr (NM_001145853.1); short protein forms H407Y.
Identifiers: ClinVar variation 166583 (VCV000166583.16), dbSNP rs151244358, ClinGen allele CA179639.